The following is an entry in ClinVar:

NM_002972.4(SBF1):c.651G>A (p.Gln217=)

Gene: SBF1 (SET binding factor 1; minus strand). Cytogenetic location: 22q13.33.
Variant type: single nucleotide variant.
Coding change: c.651G>A on transcript NM_002972.4 (MANE Select); coding-DNA position 651, G replaced by A.
Protein change: p.Gln217=; no amino-acid change (glutamine 217 retained).
Molecular consequence: synonymous variant.
Genome position (GRCh38, 1-based): chr22:50,466,609, C>T on the plus strand (G>A on the coding strand, the complement: SBF1 is on the minus strand). VCF-style: chr22-50466609-C-T. GRCh37 (hg19) VCF-style: chr22-50905038-C-T.
Other names: c.654G>A, p.Gln218= (NM_001365819.1); c.651G>A (NM_002972.3).
Identifiers: ClinVar variation 993797 (VCV000993797.20), dbSNP rs1292863100, ClinGen allele CA515384747.
Genomic context (GRCh38, chr22:50,466,609, plus strand): 5'-CCCTAACTACCAGTCCCCGAGGGGAAGCCATGCGGGGGTGGGACAGACAGGCTCACCTAG[C>T]TGGCGGAAGAGCAGGGCCACGCTGCAGCGGCTGACGGGCAGCGAGTCGGCCAGTGGAGTC-3'
Protein context (NP_002963.2, residues 207-227): SRCSVALLFR[Gln217=]LGITNVLSLF

ClinVar aggregate classification (germline): Likely benign. Review status: criteria provided, multiple submitters, no conflicts (2 of 4 stars). 4 submissions from 4 submitters: Likely benign (3). 1 of the submissions does not count toward it. Last evaluated 2025-09-15.

Conditions:
SBF1-related disorder. Also called: SBF1-related condition.
Charcot-Marie-Tooth disease type 4B3. Also called: CHARCOT-MARIE-TOOTH DISEASE, DEMYELINATING, TYPE 4B3; Charcot-Marie-Tooth Neuropathy Type 4B3. Identifiers: Orphanet 363981, MedGen C3695063, MONDO:0014117, OMIM 615284.

Allele frequency attached by ClinVar (database versions not stated): gnomAD 0.00002; gnomAD exomes 0.00003 and 0.00004; TOPMed 0.00006.
gnomAD v4.1: 41 of 1,549,928 alleles (0.0026%); highest among the groups gnomAD compares: Non-Finnish European, 0.0033%; no homozygotes.

Submissions (4):

Labcorp Genetics (formerly Invitae), Labcorp
Classification: Likely benign. Last evaluated: 2025-09-15. Review status: criteria provided, single submitter. Criteria: Invitae Variant Classification Sherloc (09022015). Collection method: clinical testing. Allele origin: germline.

ARUP Laboratories, Molecular Genetics and Genomics, ARUP Laboratories
Classification: Likely benign for Charcot-Marie-Tooth disease type 4B3. Last evaluated: 2019-11-11. Review status: criteria provided, single submitter. Criteria: ARUP Molecular Germline Variant Investigation Process. Collection method: clinical testing. Allele origin: germline.

Breakthrough Genomics
Classification: Likely benign. Review status: criteria provided, single submitter. Criteria: ACMG Guidelines, 2015. Collection method: not provided. Allele origin: germline. Inheritance: Autosomal recessive inheritance. Affected: yes.

PreventionGenetics, part of Exact Sciences
Classification: Likely benign for SBF1-related condition. Last evaluated: 2022-12-29. Review status: no assertion criteria provided. Collection method: clinical testing. Allele origin: germline. Not counted in ClinVar's aggregate classification.
Comment: This variant is classified as likely benign based on ACMG/AMP sequence variant interpretation guidelines (Richards et al. 2015 PMID: 25741868, with internal and published modifications).